The following is an entry in ClinVar:

NM_005502.4(ABCA1):c.877A>G (p.Ser293Gly)

Gene: ABCA1 (ATP binding cassette subfamily A member 1; minus strand). Cytogenetic location: 9q31.1.
Variant type: single nucleotide variant.
Coding change: c.877A>G on transcript NM_005502.4 (MANE Select); coding-DNA position 877, A replaced by G.
Protein change: p.Ser293Gly; replaces serine 293 with glycine.
Molecular consequence: missense variant.
Genome position (GRCh38, 1-based): chr9:104,840,456, T>C on the plus strand (A>G on the coding strand, the complement: ABCA1 is on the minus strand). VCF-style: chr9-104840456-T-C. GRCh37 (hg19) VCF-style: chr9-107602737-T-C.
Other names: short protein forms S293G.
Identifiers: ClinVar variation 2454046 (VCV002454046.2), dbSNP rs2538209994, ClinGen allele CA374329797.
Genomic context (GRCh38, chr9:104,840,456, plus strand): 5'-CGGGATGCCCGCAGACAATACGAGACACAGCCTGGTAGATTTGGGTGGAGGAGCTGGAGC[T>C]GTTCACATTGGTCAGAAACATCACCTCCTGTCGCATGTCACTCCAGCTTCTCATGCTGAA-3'
Protein context (NP_005493.2, residues 283-303): QEVMFLTNVN[Ser293Gly]SSSSTQIYQA

ClinVar aggregate classification (germline): Uncertain significance (1 of 4 stars; one submission).

Conditions:
Cardiovascular phenotype. Identifiers: MedGen CN230736.

Allele frequency attached by ClinVar (database versions not stated): gnomAD exomes 0.00001.
gnomAD v4.1: 12 of 1,614,178 alleles (0.00074%); highest among the groups gnomAD compares: Non-Finnish European, 0.001%; no homozygotes.

Submission:

Ambry Genetics
Classification: Uncertain significance for Cardiovascular phenotype. Last evaluated: 2023-01-20. Review status: criteria provided, single submitter. Criteria: Ambry Variant Classification Scheme 2023. Collection method: clinical testing. Allele origin: germline.
Comment: The p.S293G variant (also known as c.877A>G), located in coding exon 8 of the ABCA1 gene, results from an A to G substitution at nucleotide position 877. The serine at codon 293 is replaced by glycine, an amino acid with similar properties. This amino acid position is conserved. In addition, this alteration is predicted to be tolerated by in silico analysis. Since supporting evidence is limited at this time, the clinical significance of this alteration remains unclear.